The following is an entry in ClinVar:

NM_018489.3(ASH1L):c.2126dup (p.Leu709fs)

Gene: ASH1L (ASH1 like histone lysine methyltransferase; minus strand). Cytogenetic location: 1q22.
Variant type: Duplication.
Coding change: c.2126dup on transcript NM_018489.3 (MANE Select); coding-DNA position 2126, one base duplicated (T; older notation c.2126dupT).
Protein change: p.Leu709fs; shifts the reading frame from leucine 709.
Molecular consequence: frameshift variant.
Genome position (GRCh38, 1-based): chr1:155,480,744, A duplicated on the plus strand (T on the coding strand, the reverse complement: ASH1L is on the minus strand); the first of 2 consecutive A bases (chr1:155,480,744-155,480,745); duplicating either gives the same sequence. VCF-style (leftmost placement, unchanged base first): chr1-155480743-T-TA. GRCh37 (hg19) VCF-style: chr1-155450534-T-TA.
Other names: c.2126dup, p.Leu709fs (NM_001366177.2); short protein forms L709fs.
Identifiers: ClinVar variation 1526156 (VCV001526156.1), dbSNP rs2148727707, ClinGen allele CA2573131126.

ClinVar aggregate classification (germline): Likely pathogenic (1 of 4 stars; one submission).

Conditions:
Intellectual developmental disorder, autosomal dominant 52. Also called: Intellectual disability, autosomal dominant 52; Mental retardation, autosomal dominant 52. Identifiers: MedGen C4540478, MONDO:0030918, OMIM 617796.

Submission:

3billion
Classification: Likely pathogenic for Intellectual developmental disorder, autosomal dominant 52. Last evaluated: 2022-03-22. Review status: criteria provided, single submitter. Criteria: ACMG Guidelines, 2015. Collection method: clinical testing. Allele origin: germline. Affected: yes. Observed: 1 heterozygote.
Comment: Frameshift: predicted to result in a loss or disruption of normal protein function through nonsense-mediated decay (NMD) or protein truncation. Multiple pathogenic variants are reported downstream of the variant.It is not observed in the gnomAD v2.1.1 dataset. Therefore, this variant is classified as likely pathogenic according to the recommendation of ACMG/AMP guideline.